The following is an entry in ClinVar:

ClinVar aggregate classification (germline): Likely benign. Review status: criteria provided, single submitter (1 of 4 stars). 2 submissions from 2 submitters: Likely benign (1). 1 of the submissions does not count toward it. Last evaluated 2022-05-01.

Conditions:
ANO8-related disorder. Also called: ANO8-related condition.

Allele frequency attached by ClinVar (database versions not stated): 1000 Genomes Project 0.00100; 1000 Genomes Project 30x 0.00109; ExAC 0.00139; gnomAD 0.00144; TOPMed 0.00178; ESP Exome Variant Server 0.00185; gnomAD exomes 0.00210.
gnomAD v4.1: 3,325 of 1,611,558 alleles (0.21%); highest among the groups gnomAD compares: Middle Eastern, 1.1%; 12 homozygotes.

Submissions (2):

CeGaT Center for Human Genetics Tuebingen
Classification: Likely benign. Last evaluated: 2022-05-01. Review status: criteria provided, single submitter. Criteria: CeGaT Center For Human Genetics Tuebingen Variant Classification Criteria Version 2. Collection method: clinical testing. Allele origin: germline. Affected: yes. Observed: 1 variant allele.
Comment: ANO8: BP4, BP7

PreventionGenetics, part of Exact Sciences
Classification: Likely benign for ANO8-related condition. Last evaluated: 2022-02-15. Review status: no assertion criteria provided. Collection method: clinical testing. Allele origin: germline. Not counted in ClinVar's aggregate classification.
Comment: This variant is classified as likely benign based on ACMG/AMP sequence variant interpretation guidelines (Richards et al. 2015 PMID: 25741868, with internal and published modifications).

NM_020959.3(ANO8):c.3210C>T (p.Gly1070=)

Gene: ANO8 (anoctamin 8; minus strand). Cytogenetic location: 19p13.11.
Variant type: single nucleotide variant.
Coding change: c.3210C>T on transcript NM_020959.3 (MANE Select); coding-DNA position 3210, C replaced by T.
Protein change: p.Gly1070=; no amino-acid change (glycine 1070 retained).
Molecular consequence: synonymous variant.
Genome position (GRCh38, 1-based): chr19:17,324,838, G>A on the plus strand (C>T on the coding strand, the complement: ANO8 is on the minus strand). VCF-style: chr19-17324838-G-A. GRCh37 (hg19) VCF-style: chr19-17435647-G-A.
Other names: c.3210C>T (NM_020959.2).
Identifiers: ClinVar variation 2649537 (VCV002649537.25), dbSNP rs150818557, ClinGen allele CA9292290.